The following is an entry in ClinVar:

NM_016006.6(ABHD5):c.*2935C>A

Gene: ABHD5 (abhydrolase domain containing 5, lysophosphatidic acid acyltransferase; plus strand). Cytogenetic location: 3p21.33.
Variant type: single nucleotide variant.
Coding change: c.*2935C>A on transcript NM_016006.6 (MANE Select); 2935 bases downstream of the stop codon, C replaced by A.
Molecular consequence: 3 prime UTR variant. On other transcripts: non-coding transcript variant (1), intron variant (1).
Genome position (GRCh38, 1-based): chr3:43,721,467, C>A. VCF-style: chr3-43721467-C-A. GRCh37 (hg19) VCF-style: chr3-43762959-C-A.
Other names: c.*2935C>A (NM_001365649.1); c.*2961C>A (NM_001365650.1); c.29+2906C>A (NM_001355186.2).
Identifiers: ClinVar variation 345269 (VCV000345269.5), dbSNP rs10433606, ClinGen allele CA10615914.

ClinVar aggregate classification (germline): Benign (1 of 4 stars; one submission).

Conditions:
Triglyceride storage disease with ichthyosis (CDS). Also called: Dorfman-Chanarin disease; ICHTHYOSIFORM ERYTHRODERMA WITH LEUKOCYTE VACUOLATION; TRIGLYCERIDE STORAGE DISEASE WITH IMPAIRED LONG-CHAIN FATTY ACID OXIDATION; Chanarin-Dorfman Syndrome. Identifiers: Orphanet 98907, MedGen C0268238, MONDO:0010155, OMIM 275630.

Allele frequency attached by ClinVar (database versions not stated): gnomAD 0.04651 and 0.05027; TOPMed 0.05452; 1000 Genomes Project 0.08966; 1000 Genomes Project 30x 0.08979.
gnomAD v4.1: 7,564 of 151,196 alleles (5%); highest among the groups gnomAD compares: South Asian, 12%; 279 homozygotes.

Submission:

Illumina Laboratory Services, Illumina
Classification: Benign for Triglyceride storage disease with ichthyosis. Last evaluated: 2018-01-13. Review status: criteria provided, single submitter. Criteria: ICSL Variant Classification Criteria 13 December 2019. Collection method: clinical testing. Allele origin: germline.
Comment: This variant was observed in the ICSL laboratory as part of a predisposition screen in an ostensibly healthy population. It had not been previously curated by ICSL or reported in the Human Gene Mutation Database (HGMD: prior to June 1st, 2018), and was therefore a candidate for classification through an automated scoring system. Utilizing variant allele frequency, disease prevalence and penetrance estimates, and inheritance mode, an automated score was calculated to assess if this variant is too frequent to cause the disease. Based on the score and internal cut-off values, a variant classified as benign is not then subjected to further curation. The score for this variant resulted in a classification of benign for this disease.